The following is an entry in ClinVar:

ClinVar aggregate classification (germline): Uncertain significance (1 of 4 stars; one submission).

Conditions:
Sulfite oxidase deficiency due to molybdenum cofactor deficiency type C. Also called: Molybdenum cofactor deficiency, complementation group C; Molybdenum cofactor deficiency C. Identifiers: Orphanet 308400, Orphanet 833, MedGen C1854990, MONDO:0014212, OMIM 615501.

Allele frequency attached by ClinVar (database versions not stated): ExAC 0.00001.

Submission:

Labcorp Genetics (formerly Invitae), Labcorp
Classification: Uncertain significance for Sulfite oxidase deficiency due to molybdenum cofactor deficiency type C. Last evaluated: 2022-02-28. Review status: criteria provided, single submitter. Criteria: Invitae Variant Classification Sherloc (09022015). Collection method: clinical testing. Allele origin: germline.
Comment: This variant has not been reported in the literature in individuals affected with GPHN-related conditions. In summary, the available evidence is currently insufficient to determine the role of this variant in disease. Therefore, it has been classified as a Variant of Uncertain Significance. Variants that disrupt the consensus splice site are a relatively common cause of aberrant splicing (PMID: 17576681, 9536098). Algorithms developed to predict the effect of sequence changes on RNA splicing suggest that this variant is not likely to affect RNA splicing. This variant is not present in population databases (gnomAD no frequency). This sequence change falls in intron 19 of the GPHN gene. It does not directly change the encoded amino acid sequence of the GPHN protein. It affects a nucleotide within the consensus splice site.

Literature cited by the submitters: PubMed 17576681; PubMed 9536098.

NM_020806.5(GPHN):c.1910+6A>C

Gene: GPHN (gephyrin; plus strand). Cytogenetic location: 14q23.3.
Variant type: single nucleotide variant.
Coding change: c.1910+6A>C on transcript NM_020806.5 (MANE Select); 6 bases into the intron after coding-DNA position 1910, A replaced by C.
Molecular consequence: intron variant.
Genome position (GRCh38, 1-based): chr14:67,159,494, A>C. VCF-style: chr14-67159494-A-C. GRCh37 (hg19) VCF-style: chr14-67626211-A-C.
Other names: c.1970+6A>C (NM_001377514.1); c.1850+6A>C (NM_001377519.1); c.1940+6A>C (NM_001377515.1); c.1931+6A>C (NM_001377516.1); c.1868+6A>C (NM_001377518.1); c.1883+6A>C (NM_001377517.1); c.1811+6A>C (NM_001024218.2).
Identifiers: ClinVar variation 2104240 (VCV002104240.4), dbSNP rs757400191, ClinGen allele CA7234202.
Genomic context (GRCh38, chr14:67,159,494, plus strand): 5'-TGGACATTGATCTTCATGCTCAGATCCATTTTGGCAGGGTTTTTATGAAACCAGGGTATG[A>C]AAATCATCTTGTTATCTCATATATGGGGTTGGTTTGGCTTGCTTTAACTAACAAATTTTT-3'